The following is an entry in ClinVar:

ClinVar aggregate classification (germline): Conflicting classifications of pathogenicity. Review status: criteria provided, conflicting classifications (1 of 4 stars). 2 submissions from 2 submitters: Uncertain significance (1); Likely benign (1). Last evaluated 2023-05-27.

Conditions:
Cryopyrin associated periodic syndrome (CAPS). Identifiers: Orphanet 208650, MedGen C2316212, MONDO:0016168.

Allele frequency attached by ClinVar (database versions not stated): gnomAD exomes below 0.00001; ExAC 0.00001.
gnomAD v4.1: 11 of 1,607,524 alleles (0.00068%); highest among the groups gnomAD compares: Admixed American, 0.0017%; no homozygotes.

Submissions (2):

Labcorp Genetics (formerly Invitae), Labcorp
Classification: Uncertain significance for Cryopyrin associated periodic syndrome. Last evaluated: 2023-05-27. Review status: criteria provided, single submitter. Criteria: Invitae Variant Classification Sherloc (09022015). Collection method: clinical testing. Allele origin: germline.
Comment: Advanced modeling of protein sequence and biophysical properties (such as structural, functional, and spatial information, amino acid conservation, physicochemical variation, residue mobility, and thermodynamic stability) performed at Invitae indicates that this missense variant is not expected to disrupt NLRP3 protein function. ClinVar contains an entry for this variant (Variation ID: 246296). This variant has not been reported in the literature in individuals affected with NLRP3-related conditions. This variant is present in population databases (rs767805817, gnomAD 0.003%). This sequence change replaces histidine, which is basic and polar, with leucine, which is neutral and non-polar, at codon 713 of the NLRP3 protein (p.His713Leu). In summary, the available evidence is currently insufficient to determine the role of this variant in disease. Therefore, it has been classified as a Variant of Uncertain Significance.

GeneDx
Classification: Likely benign. Last evaluated: 2016-01-04. Review status: criteria provided, single submitter. Criteria: GeneDx Variant Classification (06012015). Collection method: clinical testing. Allele origin: germline. Affected: yes.
Comment: This variant is considered likely benign or benign based on one or more of the following criteria: it is a conservative change, it occurs at a poorly conserved position in the protein, it is predicted to be benign by multiple in silico algorithms, and/or has population frequency not consistent with disease.

NM_001243133.2(NLRP3):c.2132A>T (p.His711Leu)

Gene: NLRP3 (NLR family pyrin domain containing 3; plus strand). Cytogenetic location: 1q44.
Variant type: single nucleotide variant.
Coding change: c.2132A>T on transcript NM_001243133.2 (MANE Select); coding-DNA position 2132, A replaced by T.
Protein change: p.His711Leu; replaces histidine 711 with leucine.
Molecular consequence: missense variant.
Genome position (GRCh38, 1-based): chr1:247,425,581, A>T. VCF-style: chr1-247425581-A-T. GRCh37 (hg19) VCF-style: chr1-247588883-A-T.
Other names: c.2132A>T, p.His711Leu (NM_001079821.3, NM_001127461.3, NM_001127462.3 and 1 more transcripts); c.2138A>T, p.His713Leu (NM_004895.5); short protein forms H713L, H711L.
Identifiers: ClinVar variation 246296 (VCV000246296.4), dbSNP rs767805817, ClinGen allele CA1495118.